The following is an entry in ClinVar:

ClinVar aggregate classification (germline): Uncertain significance (1 of 4 stars; one submission).

Conditions:
Malan overgrowth syndrome (MALNS). Also called: MALAN SYNDROME; NFIX-Related Malan Syndrome; Sotos syndrome 2. Identifiers: Orphanet 420179, MedGen C3553660, MONDO:0013885, OMIM 614753.
Marshall-Smith syndrome (MRSHSS). Identifiers: Orphanet 561, MedGen C0265211, MONDO:0011244, OMIM 602535.

Submission:

Labcorp Genetics (formerly Invitae), Labcorp
Classification: Uncertain significance for Malan overgrowth syndrome; Marshall-Smith syndrome. Last evaluated: 2023-10-13. Review status: criteria provided, single submitter. Criteria: Invitae Variant Classification Sherloc (09022015). Collection method: clinical testing. Allele origin: germline.
Comment: This sequence change replaces threonine, which is neutral and polar, with lysine, which is basic and polar, at codon 233 of the NFIX protein (p.Thr233Lys). This variant is not present in population databases (gnomAD no frequency). This variant has not been reported in the literature in individuals affected with NFIX-related conditions. Experimental studies and prediction algorithms are not available or were not evaluated, and the functional significance of this variant is currently unknown. In summary, the available evidence is currently insufficient to determine the role of this variant in disease. Therefore, it has been classified as a Variant of Uncertain Significance.

NM_001365902.3(NFIX):c.674C>A (p.Thr225Lys)

Gene: NFIX (nuclear factor I X; plus strand). Cytogenetic location: 19p13.13.
Variant type: single nucleotide variant.
Coding change: c.674C>A on transcript NM_001365902.3 (MANE Select); coding-DNA position 674, C replaced by A.
Protein change: p.Thr225Lys; replaces threonine 225 with lysine.
Molecular consequence: missense variant.
Genome position (GRCh38, 1-based): chr19:13,073,473, C>A. VCF-style: chr19-13073473-C-A. GRCh37 (hg19) VCF-style: chr19-13184287-C-A.
Other names: c.698C>A, p.Thr233Lys (NM_001271043.2); c.650C>A, p.Thr217Lys (NM_001271044.3, NM_001378404.1); c.722C>A, p.Thr241Lys (NM_001378405.1); c.674C>A, p.Thr225Lys (NM_002501.4, NM_001365982.2); c.533C>A, p.Thr178Lys (NM_001365983.2); c.671C>A, p.Thr224Lys (NM_001365984.2, NM_001365985.2); short protein forms T217K, T178K, T225K, T233K, T224K, T241K.
Identifiers: ClinVar variation 2937802 (VCV002937802.3), dbSNP rs765700659, ClinGen allele CA404294303.
Genomic context (GRCh38, chr19:13,073,473, plus strand): 5'-CCTCTTCAGGGCACTTAAGTTTCCAGGACTGTTTTGTGACTTCCGGGGTCTGGAATGTGA[C>A]GGAGCTGGTGAGAGTATCACAGAGTAAGTGAGTCCTTCCTTCCAGGCCAGGGATGGGGAT-3'
Protein context (NP_001352831.1, residues 215-235): CFVTSGVWNV[Thr225Lys]ELVRVSQTPV